The following is an entry in ClinVar:

NM_001375524.1(TRRAP):c.9591+3G>C

Gene: TRRAP (transformation/transcription domain associated protein; plus strand). Cytogenetic location: 7q22.1.
Variant type: single nucleotide variant.
Coding change: c.9591+3G>C on transcript NM_001375524.1 (MANE Select); 3 bases into the intron after coding-DNA position 9591, G replaced by C.
Molecular consequence: intron variant.
Genome position (GRCh38, 1-based): chr7:98,988,969, G>C. VCF-style: chr7-98988969-G-C. GRCh37 (hg19) VCF-style: chr7-98586592-G-C.
Other names: c.9603+3G>C (NM_001244580.2); c.9516+3G>C (NM_003496.4).
Identifiers: ClinVar variation 3713260 (VCV003713260.3).

ClinVar aggregate classification (germline): Conflicting classifications of pathogenicity. Review status: criteria provided, conflicting classifications (1 of 4 stars). 2 submissions from 2 submitters: Uncertain significance (1); Likely benign (1). Last evaluated 2025-03-17.

gnomAD v4.1: 94 of 1,611,718 alleles (0.0058%); highest among the groups gnomAD compares: Non-Finnish European, 0.0079%; no homozygotes.

Submissions (2):

Labcorp Genetics (formerly Invitae), Labcorp
Classification: Uncertain significance. Last evaluated: 2025-03-17. Review status: criteria provided, single submitter. Criteria: Invitae Variant Classification Sherloc (09022015). Collection method: clinical testing. Allele origin: germline.
Comment: This sequence change falls in intron 61 of the TRRAP gene. It does not directly change the encoded amino acid sequence of the TRRAP protein. It affects a nucleotide within the consensus splice site. This variant is present in population databases (rs3779186, gnomAD 0.005%). This variant has not been reported in the literature in individuals affected with TRRAP-related conditions. Variants that disrupt the consensus splice site are a relatively common cause of aberrant splicing (PMID: 17576681, 9536098). Algorithms developed to predict the effect of sequence changes on RNA splicing suggest that this variant is not likely to affect RNA splicing. In summary, the available evidence is currently insufficient to determine the role of this variant in disease. Therefore, it has been classified as a Variant of Uncertain Significance.

Blueprint Genetics
Classification: Likely benign. Last evaluated: 2024-05-29. Review status: criteria provided, single submitter. Criteria: ACMG Guidelines, 2015. Collection method: clinical testing. Allele origin: germline.

Literature cited by the submitters: PubMed 17576681 (cited by Labcorp Genetics (formerly Invitae), Labcorp); PubMed 9536098 (cited by Labcorp Genetics (formerly Invitae), Labcorp).